The following is an entry in ClinVar:

ClinVar aggregate classification (germline): Pathogenic. Review status: criteria provided, single submitter (1 of 4 stars). 2 submissions from 2 submitters: Pathogenic (1). 1 of the submissions does not count toward it. Last evaluated 2025-11-25.

Conditions:
Familial thoracic aortic aneurysm and aortic dissection (TAAD). Also called: Thoracic aortic aneurysms and dissections. Identifiers: Orphanet 91387, MedGen C4707243, MONDO:0019625.
Marfan syndrome (MFS). Also called: Marfan syndrome type 1; Marfan syndrome, classic; Marfan's syndrome; FBN1-Related Marfan Syndrome; MARFAN SYNDROME, TYPE I. Identifiers: Orphanet 284963, Orphanet 558, MedGen C0024796, MONDO:0007947, OMIM 154700.

Submissions (2):

Labcorp Genetics (formerly Invitae), Labcorp
Classification: Pathogenic for Marfan syndrome; Familial thoracic aortic aneurysm and aortic dissection. Last evaluated: 2025-11-25. Review status: criteria provided, single submitter. Criteria: Invitae Variant Classification Sherloc (09022015). Collection method: clinical testing. Allele origin: germline.
Comment: This sequence change creates a premature translational stop signal (p.Gln245*) in the FBN1 gene. It is expected to result in an absent or disrupted protein product. Loss-of-function variants in FBN1 are known to be pathogenic (PMID: 17657824, 19293843). This variant is not present in population databases (gnomAD no frequency). This premature translational stop signal has been observed in individuals with Marfan syndrome (PMID: 25101912; internal data). ClinVar contains an entry for this variant (Variation ID: 549403). For these reasons, this variant has been classified as Pathogenic.

Center for Medical Genetics Ghent, University of Ghent
Classification: Likely pathogenic for Marfan syndrome. Last evaluated: 2017-11-07. Review status: no assertion criteria provided. Collection method: clinical testing. Allele origin: germline. Affected: yes. Not counted in ClinVar's aggregate classification.

Literature cited by the submitters: PubMed 17657824 (cited by Labcorp Genetics (formerly Invitae), Labcorp); PubMed 19293843 (cited by Labcorp Genetics (formerly Invitae), Labcorp); PubMed 25101912 (cited by Labcorp Genetics (formerly Invitae), Labcorp).

NM_000138.5(FBN1):c.733C>T (p.Gln245Ter)

Gene: FBN1 (fibrillin 1; minus strand). Cytogenetic location: 15q21.1.
Variant type: single nucleotide variant.
Coding change: c.733C>T on transcript NM_000138.5 (MANE Select); coding-DNA position 733, C replaced by T.
Protein change: p.Gln245Ter; replaces glutamine 245 with a stop codon.
Molecular consequence: nonsense.
Genome position (GRCh38, 1-based): chr15:48,537,614, G>A on the plus strand (C>T on the coding strand, the complement: FBN1 is on the minus strand). VCF-style: chr15-48537614-G-A. GRCh37 (hg19) VCF-style: chr15-48829811-G-A.
Other names: short protein forms Q245*.
Identifiers: ClinVar variation 549403 (VCV000549403.2), dbSNP rs1555401667, ClinGen allele CA392445786.